The following is an entry in ClinVar:

ClinVar aggregate classification (germline): Uncertain significance (1 of 4 stars; one submission).

gnomAD v4.1: 1 of 1,457,870 alleles (0.000069%); highest among the groups gnomAD compares: Admixed American, 0.002%; no homozygotes.

Submission:

Ambry Genetics
Classification: Uncertain significance. Last evaluated: 2024-10-31. Review status: criteria provided, single submitter. Criteria: Ambry Variant Classification Scheme 2023. Collection method: clinical testing. Allele origin: germline.
Comment: The p.N2185Y variant (also known as c.6553A>T), located in coding exon 22 of the POLQ gene, results from an A to T substitution at nucleotide position 6553. The asparagine at codon 2185 is replaced by tyrosine, an amino acid with dissimilar properties. This amino acid position is conserved. In addition, this alteration is predicted to be tolerated by in silico analysis. Based on the available evidence, the clinical significance of this variant remains unclear.

NM_199420.4(POLQ):c.6553A>T (p.Asn2185Tyr)

Gene: POLQ (DNA polymerase theta; minus strand). Cytogenetic location: 3q13.33.
Variant type: single nucleotide variant.
Coding change: c.6553A>T on transcript NM_199420.4 (MANE Select); coding-DNA position 6553, A replaced by T.
Protein change: p.Asn2185Tyr; replaces asparagine 2185 with tyrosine.
Molecular consequence: missense variant.
Genome position (GRCh38, 1-based): chr3:121,472,155, T>A on the plus strand (A>T on the coding strand, the complement: POLQ is on the minus strand). VCF-style: chr3-121472155-T-A. GRCh37 (hg19) VCF-style: chr3-121191002-T-A.
Other names: short protein forms N2185Y.
Identifiers: ClinVar variation 3422638 (VCV003422638.1).